The following is an entry in ClinVar:

ClinVar aggregate classification (germline): Likely benign (1 of 4 stars; one submission).

Allele frequency attached by ClinVar (database versions not stated): 1000 Genomes Project 30x 0.00219; 1000 Genomes Project 0.00240.

Submission:

CeGaT Center for Human Genetics Tuebingen
Classification: Likely benign. Last evaluated: 2023-04-01. Review status: criteria provided, single submitter. Criteria: CeGaT Center For Human Genetics Tuebingen Variant Classification Criteria Version 2. Collection method: clinical testing. Allele origin: germline. Affected: yes. Observed: 1 variant allele.
Comment: CYP21A2: BS2

NC_000006.12:g.32038115G>T

Genes: CYP21A2 (cytochrome P450 family 21 subfamily A member 2; plus strand), LOC106780800 (CYP21A2 recombination region; plus strand), LOC110631417 (CYP21A2 5' regulatory region; plus strand). Cytogenetic location: 6p21.33.
Variant type: single nucleotide variant.
Genome position: GRCh38 VCF-style: chr6-32038115-G-T. GRCh37 (hg19) VCF-style: chr6-32005892-G-T.
Identifiers: ClinVar variation 2656438 (VCV002656438.24), dbSNP rs3130676, ClinGen allele CA136893091.
Genomic context (GRCh38, chr6:32,038,115, plus strand): 5'-GACAAACATCATGCCAGTAAACTGGCCCACGGTGGGGTGGCAGAGGGAGAGGGCCCAGGT[G>T]GGGGCGGACACTATTGCCTGCACAGTTGATGTGGAACCAGAAAGCTGACTCTGGATGCAG-3'